The following is an entry in ClinVar:

NM_024817.3(THSD4):c.713C>T (p.Ala238Val)

Gene: THSD4 (thrombospondin type 1 domain containing 4; plus strand). Cytogenetic location: 15q23.
Variant type: single nucleotide variant.
Coding change: c.713C>T on transcript NM_024817.3 (MANE Select); coding-DNA position 713, C replaced by T.
Protein change: p.Ala238Val; replaces alanine 238 with valine.
Molecular consequence: missense variant.
Genome position (GRCh38, 1-based): chr15:71,242,897, C>T. VCF-style: chr15-71242897-C-T. GRCh37 (hg19) VCF-style: chr15-71535236-C-T.
Other names: c.713C>T, p.Ala238Val (NM_001394532.1); short protein forms A238V.
Identifiers: ClinVar variation 3177180 (VCV003177180.9), dbSNP rs374099396, ClinGen allele CA7639098.

ClinVar aggregate classification (germline): Conflicting classifications of pathogenicity. Review status: criteria provided, conflicting classifications (1 of 4 stars). 2 submissions from 2 submitters: Uncertain significance (1); Likely benign (1). Last evaluated 2025-09-01.

Allele frequency attached by ClinVar (database versions not stated): ESP Exome Variant Server 0.00008; TOPMed 0.00026; gnomAD 0.00033.

Submissions (2):

CeGaT Center for Human Genetics Tuebingen
Classification: Likely benign. Last evaluated: 2025-09-01. Review status: criteria provided, single submitter. Criteria: CeGaT Center For Human Genetics Tuebingen Variant Classification Criteria Version 2. Collection method: clinical testing. Allele origin: germline. Affected: yes. Observed: 1 variant allele.
Comment: THSD4: BP4, BS1

Ambry Genetics
Classification: Uncertain significance. Last evaluated: 2024-09-25. Review status: criteria provided, single submitter. Criteria: Ambry Variant Classification Scheme 2023. Collection method: clinical testing. Allele origin: germline.